The following is an entry in ClinVar:

NM_020778.5(ALPK3):c.726T>C (p.Pro242=)

Gene: ALPK3 (alpha kinase 3; plus strand). Cytogenetic location: 15q25.3.
Variant type: single nucleotide variant.
Coding change: c.726T>C on transcript NM_020778.5 (MANE Select); coding-DNA position 726, T replaced by C.
Protein change: p.Pro242=; no amino-acid change (proline 242 retained).
Molecular consequence: synonymous variant.
Genome position (GRCh38, 1-based): chr15:84,840,005, T>C. VCF-style: chr15-84840005-T-C. GRCh37 (hg19) VCF-style: chr15-85383236-T-C.
Identifiers: ClinVar variation 1284617 (VCV001284617.15), dbSNP rs143386861, ClinGen allele CA7709061.
Genomic context (GRCh38, chr15:84,840,005, plus strand): 5'-GCGAAAGCGGCGATTGAGCGGGGCTCAAGCGCCGGGCCCCTCGGTCCCTACCAGGGAGCC[T>C]GAGGGTGGGACCCTGGCGGCTTGGCAGGAGGGAGAGACTGAGACTGCTCAGCACTCAGGT-3'
Protein context (NP_065829.4, residues 232-252): APGPSVPTRE[Pro242=]EGGTLAAWQE

ClinVar aggregate classification (germline): Likely benign. Review status: criteria provided, multiple submitters, no conflicts (2 of 4 stars). 5 submissions from 5 submitters: Likely benign (2). 3 of the submissions do not count toward it. Last evaluated 2026-01-14.

Conditions:
ALPK3-related disorder. Also called: ALPK3-related condition.
Cardiovascular phenotype. Identifiers: MedGen CN230736.

Allele frequency attached by ClinVar (database versions not stated): ExAC 0.00007; gnomAD exomes 0.00008 and 0.00010; gnomAD 0.00012 and 0.00013; TOPMed 0.00014; ESP Exome Variant Server 0.00015.
gnomAD v4.1: 167 of 1,613,360 alleles (0.01%); highest among the groups gnomAD compares: Non-Finnish European, 0.013%; no homozygotes.

Submissions (5):

Labcorp Genetics (formerly Invitae), Labcorp
Classification: Likely benign. Last evaluated: 2026-01-14. Review status: criteria provided, single submitter. Criteria: Invitae Variant Classification Sherloc (09022015). Collection method: clinical testing. Allele origin: germline.

Ambry Genetics
Classification: Likely benign for Cardiovascular phenotype. Last evaluated: 2019-09-06. Review status: criteria provided, single submitter. Criteria: Ambry Variant Classification Scheme 2023. Collection method: clinical testing. Allele origin: germline.

PreventionGenetics, part of Exact Sciences
Classification: Likely benign for ALPK3-related condition. Last evaluated: 2020-11-11. Review status: no assertion criteria provided. Collection method: clinical testing. Allele origin: germline. Not counted in ClinVar's aggregate classification.
Comment: This variant is classified as likely benign based on ACMG/AMP sequence variant interpretation guidelines (Richards et al. 2015 PMID: 25741868, with internal and published modifications).

Clinical Genetics DNA and cytogenetics Diagnostics Lab, Erasmus MC, Erasmus Medical Center
Classification: Likely benign. Review status: no assertion criteria provided. Collection method: clinical testing. Allele origin: germline. Affected: yes. Study: VKGL Data-share Consensus. Not counted in ClinVar's aggregate classification.

Clinical Genetics, Academic Medical Center
Classification: Benign. Review status: no assertion criteria provided. Collection method: clinical testing. Allele origin: germline. Affected: yes. Study: VKGL Data-share Consensus. Not counted in ClinVar's aggregate classification.